The following is an entry in ClinVar:

ClinVar aggregate classification (germline): Uncertain significance. Review status: criteria provided, multiple submitters, no conflicts (2 of 4 stars). 3 submissions from 2 submitters: Uncertain significance (3). Last evaluated 2026-04-09.

Conditions:
Mitochondrial complex I deficiency, nuclear type 1. Also called: NADH-COENZYME Q REDUCTASE DEFICIENCY; MITOCHONDRIAL NADH DEHYDROGENASE COMPONENT OF COMPLEX I, DEFICIENCY OF. Identifiers: MedGen C6022305, MONDO:0100224, OMIM 252010.
Leigh syndrome (NULS). Also called: Leigh's necrotizing encephalopathy; Leigh's disease; Leigh Disease; LEIGH SYNDROME, NUCLEAR; Leigh Syndrome (mtDNA deletion); Leigh's syndrome. Identifiers: Orphanet 506, MedGen C2931891, MONDO:0009723, OMIM 256000.

Allele frequency attached by ClinVar (database versions not stated): 1000 Genomes Project 30x 0.00031; TOPMed 0.00003; 1000 Genomes Project 0.00020.
gnomAD v4.1: 30 of 1,614,014 alleles (0.0019%); highest among the groups gnomAD compares: South Asian, 0.014%; no homozygotes.

Submissions (3):

GeneDx
Classification: Uncertain significance. Last evaluated: 2026-04-09. Review status: criteria provided, single submitter. Criteria: GeneDx Variant Classification Process June 2021. Collection method: clinical testing. Allele origin: germline.
Comment: Not observed at significant frequency in large population cohorts (gnomAD); In silico analysis supports that this missense variant has a deleterious effect on protein structure/function; Has not been previously published as pathogenic or benign to our knowledge

Illumina Laboratory Services, Illumina
Classification: Uncertain significance for Mitochondrial complex I deficiency, nuclear type 1. Last evaluated: 2018-01-12. Review status: criteria provided, single submitter. Criteria: ICSL Variant Classification Criteria 13 December 2019. Collection method: clinical testing. Allele origin: germline.

Illumina Laboratory Services, Illumina
Classification: Uncertain significance for Leigh syndrome. Last evaluated: 2018-01-12. Review status: criteria provided, single submitter. Criteria: ICSL Variant Classification Criteria 13 December 2019. Collection method: clinical testing. Allele origin: germline.

NM_004544.4(NDUFA10):c.110G>T (p.Arg37Leu)

Gene: NDUFA10 (NADH:ubiquinone oxidoreductase subunit A10; minus strand). Cytogenetic location: 2q37.3.
Variant type: single nucleotide variant.
Coding change: c.110G>T on transcript NM_004544.4 (MANE Select); coding-DNA position 110, G replaced by T.
Protein change: p.Arg37Leu; replaces arginine 37 with leucine.
Molecular consequence: missense variant. On other transcripts: non-coding transcript variant (3).
Genome position (GRCh38, 1-based): chr2:240,022,306, C>A on the plus strand (G>T on the coding strand, the complement: NDUFA10 is on the minus strand). VCF-style: chr2-240022306-C-A. GRCh37 (hg19) VCF-style: chr2-240961723-C-A.
Other names: c.110G>T, p.Arg37Leu (NM_001322019.2, NM_001322020.2); short protein forms R37L.
Identifiers: ClinVar variation 898818 (VCV000898818.5), dbSNP rs558134843, ClinGen allele CA2201144.